The following is an entry in ClinVar:

ClinVar aggregate classification (germline): Uncertain significance. Review status: criteria provided, multiple submitters, no conflicts (2 of 4 stars). 4 submissions from 4 submitters: Uncertain significance (4). Last evaluated 2026-01-02.

Conditions:
POLR3A-related disorder. Also called: POLR3A-related condition; POLR3A-related disorders. Identifiers: MedGen CN378587, MONDO:0700276.
Leukodystrophy, hypomyelinating, 7, with or without oligodontia and/or hypogonadotropic hypogonadism (HLD7). Also called: Ataxia, Delayed Dentition and Hypomyelination (ADDH); LEUKOENCEPHALOPATHY, HYPOMYELINATING, WITH ATAXIA AND DELAYED DENTITION; ATAXIA, DELAYED DENTITION, AND HYPOMYELINATION; LEUKODYSTROPHY, HYPOMYELINATING, 7, WITH OLIGODONTIA; LEUKODYSTROPHY, HYPOMYELINATING, 7, WITH OLIGODONTIA AND HYPOGONADOTROPIC HYPOGONADISM; LEUKODYSTROPHY, HYPOMYELINATING, 7, WITHOUT OLIGODONTIA OR HYPOGONADOTROPIC HYPOGONADISM. Identifiers: Orphanet 137639, Orphanet 447893, Orphanet 447896, Orphanet 77295, Orphanet 88637, MedGen CN034185, MONDO:0011897, OMIM 607694.

Allele frequency attached by ClinVar (database versions not stated): TOPMed 0.00002; gnomAD 0.00003; gnomAD exomes 0.00003; ExAC 0.00004.
gnomAD v4.1: 38 of 1,614,102 alleles (0.0024%); highest among the groups gnomAD compares: East Asian, 0.02%; no homozygotes.

Submissions (4):

PreventionGenetics, part of Exact Sciences
Classification: Uncertain significance for POLR3A-related condition. Last evaluated: 2026-01-02. Review status: criteria provided, single submitter. Criteria: ACMG Guidelines, 2015. Collection method: clinical testing. Allele origin: germline.
Comment: The POLR3A c.1901A>G variant is predicted to result in the amino acid substitution p.Asn634Ser. To our knowledge, this variant has not been reported in the literature. This variant is reported in 0.020% of alleles in individuals of East Asian descent in gnomAD. At this time, the clinical significance of this variant is uncertain due to the absence of conclusive functional and genetic evidence.

Labcorp Genetics (formerly Invitae), Labcorp
Classification: Uncertain significance. Last evaluated: 2024-10-06. Review status: criteria provided, single submitter. Criteria: Invitae Variant Classification Sherloc (09022015). Collection method: clinical testing. Allele origin: germline.
Comment: This sequence change replaces asparagine, which is neutral and polar, with serine, which is neutral and polar, at codon 634 of the POLR3A protein (p.Asn634Ser). This variant is present in population databases (rs376651203, gnomAD 0.02%). This variant has not been reported in the literature in individuals affected with POLR3A-related conditions. ClinVar contains an entry for this variant (Variation ID: 301063). Invitae Evidence Modeling of protein sequence and biophysical properties (such as structural, functional, and spatial information, amino acid conservation, physicochemical variation, residue mobility, and thermodynamic stability) indicates that this missense variant is not expected to disrupt POLR3A protein function with a negative predictive value of 80%. In summary, the available evidence is currently insufficient to determine the role of this variant in disease. Therefore, it has been classified as a Variant of Uncertain Significance.

GeneDx
Classification: Uncertain significance. Last evaluated: 2022-12-01. Review status: criteria provided, single submitter. Criteria: GeneDx Variant Classification Process June 2021. Collection method: clinical testing. Allele origin: germline. Affected: yes.
Comment: In silico analysis supports that this missense variant has a deleterious effect on protein structure/function; Has not been previously published as pathogenic or benign to our knowledge

Illumina Laboratory Services, Illumina
Classification: Uncertain significance for Leukodystrophy, hypomyelinating, 7, with or without oligodontia and/or hypogonadotropic hypogonadism. Last evaluated: 2018-01-13. Review status: criteria provided, single submitter. Criteria: ICSL Variant Classification Criteria 13 December 2019. Collection method: clinical testing. Allele origin: germline.

NM_007055.4(POLR3A):c.1901A>G (p.Asn634Ser)

Gene: POLR3A (RNA polymerase III subunit A; minus strand). Cytogenetic location: 10q22.3.
Variant type: single nucleotide variant.
Coding change: c.1901A>G on transcript NM_007055.4 (MANE Select); coding-DNA position 1901, A replaced by G.
Protein change: p.Asn634Ser; replaces asparagine 634 with serine.
Molecular consequence: missense variant.
Genome position (GRCh38, 1-based): chr10:78,009,545, T>C on the plus strand (A>G on the coding strand, the complement: POLR3A is on the minus strand). VCF-style: chr10-78009545-T-C. GRCh37 (hg19) VCF-style: chr10-79769303-T-C.
Other names: short protein forms N634S.
Identifiers: ClinVar variation 301063 (VCV000301063.8), dbSNP rs376651203, ClinGen allele CA5571289.